The following is an entry in ClinVar:

NM_001844.5(COL2A1):c.2355+68G>A

Gene: COL2A1 (collagen type II alpha 1 chain; minus strand). Cytogenetic location: 12q13.11.
Variant type: single nucleotide variant.
Coding change: c.2355+68G>A on transcript NM_001844.5 (MANE Select); 68 bases into the intron after coding-DNA position 2355, G replaced by A.
Molecular consequence: intron variant.
Genome position (GRCh38, 1-based): chr12:47,982,039, C>T on the plus strand (G>A on the coding strand, the complement: COL2A1 is on the minus strand). VCF-style: chr12-47982039-C-T. GRCh37 (hg19) VCF-style: chr12-48375822-C-T.
Other names: c.2148+68G>A (NM_033150.3).
Identifiers: ClinVar variation 675115 (VCV000675115.2), dbSNP rs79896080, ClinGen allele CA236524194.

ClinVar aggregate classification (germline): Benign. Review status: criteria provided, multiple submitters, no conflicts (2 of 4 stars). 2 submissions from 2 submitters: Benign (2). Last evaluated 2018-06-14.

Allele frequency attached by ClinVar (database versions not stated): 1000 Genomes Project 0.02776; 1000 Genomes Project 30x 0.03014; TOPMed 0.04718; gnomAD 0.05335 and 0.05540; ESP Exome Variant Server 0.05344; gnomAD exomes 0.06310.
gnomAD v4.1: 93,718 of 1,517,362 alleles (6.2%); highest among the groups gnomAD compares: Non-Finnish European, 7.3%; 3,392 homozygotes.

Submissions (2):

GeneDx
Classification: Benign. Last evaluated: 2018-06-14. Review status: criteria provided, single submitter. Criteria: GeneDx Variant Classification (06012015). Collection method: clinical testing. Allele origin: germline. Affected: yes.
Comment: This variant is considered likely benign or benign based on one or more of the following criteria: it is a conservative change, it occurs at a poorly conserved position in the protein, it is predicted to be benign by multiple in silico algorithms, and/or has population frequency not consistent with disease.

Breakthrough Genomics
Classification: Benign. Review status: criteria provided, single submitter. Criteria: ACMG Guidelines, 2015. Collection method: not provided. Allele origin: germline. Inheritance: Autosomal dominant inheritance. Affected: yes.